The following is an entry in ClinVar:

ClinVar aggregate classification (germline): Pathogenic (1 of 4 stars; one submission).

Conditions:
Duchenne muscular dystrophy (DMD). Also called: Duchenne Muscular Dystrophy (DMD); MUSCULAR DYSTROPHY, PSEUDOHYPERTROPHIC PROGRESSIVE, DUCHENNE TYPE. Identifiers: Orphanet 98896, MedGen C0013264, MONDO:0010679, OMIM 310200.

Submission:

Labcorp Genetics (formerly Invitae), Labcorp
Classification: Pathogenic for Duchenne muscular dystrophy. Last evaluated: 2019-05-04. Review status: criteria provided, single submitter. Criteria: Invitae Variant Classification Sherloc (09022015). Collection method: clinical testing. Allele origin: germline.
Comment: This sequence change creates a premature translational stop signal (p.Pro2860Leufs*2) in the DMD gene. It is expected to result in an absent or disrupted protein product. This variant is not present in population databases (ExAC no frequency). This variant has not been reported in the literature in individuals with DMD-related disease. Loss-of-function variants in DMD are known to be pathogenic (PMID: 16770791, 25007885). For these reasons, this variant has been classified as Pathogenic.

Literature cited by the submitters: PubMed 16770791; PubMed 25007885.

NM_004006.3(DMD):c.8579del (p.Pro2860fs)

Gene: DMD (dystrophin; minus strand). Cytogenetic location: Xp21.2.
Variant type: Deletion.
Coding change: c.8579del on transcript NM_004006.3 (MANE Select); coding-DNA position 8579, one base deleted (C; older notation c.8579delC).
Protein change: p.Pro2860fs; shifts the reading frame from proline 2860.
Molecular consequence: frameshift variant.
Genome position (GRCh38, 1-based): chrX:31,479,072, G deleted on the plus strand (C on the coding strand, the reverse complement: DMD is on the minus strand); the first of 2 consecutive G bases (chrX:31,479,072-31,479,073); deleting either gives the same sequence. VCF-style (leftmost placement, unchanged base first): chrX-31479071-AG-A. GRCh37 (hg19) VCF-style: chrX-31497188-AG-A.
Other names: c.8579delC (NM_004006.2); c.8555del, p.Pro2852fs (NM_000109.4); c.8567del, p.Pro2856fs (NM_004009.3); c.8210del, p.Pro2737fs (NM_004010.3); c.4556del, p.Pro1519fs (NM_004011.4); c.4547del, p.Pro1516fs (NM_004012.4); c.1199del, p.Pro400fs (NM_004013.3, NM_004020.4, NM_004021.3 and 2 more transcripts); c.392del, p.Pro131fs (NM_004014.3); short protein forms P1516fs, P131fs, P2860fs, P400fs, P1519fs, P2737fs, P2852fs, P2856fs.
Identifiers: ClinVar variation 526045 (VCV000526045.9), dbSNP rs1556656847, ClinGen allele CA658799644.
Genomic context (GRCh38, chrX:31,479,071, plus strand): 5'-TCCTTCCAAAGGCTGCTCTGTCAGAAATATTCGTACAGTCTCAAGAGTACTCATGATTAC[AG>A]GTTCTTTAGTTTTCAATTCCCTCTTGAAGGCCTGTGAAATGAGATGAAAAGAAGTGCTTA-3'